The following is an entry in ClinVar:

ClinVar aggregate classification (germline): Uncertain significance (1 of 4 stars; one submission).

Allele frequency attached by ClinVar (database versions not stated): gnomAD exomes below 0.00001 and 0.00004; gnomAD 0.00001; TOPMed 0.00002.

Submission:

Labcorp Genetics (formerly Invitae), Labcorp
Classification: Uncertain significance. Last evaluated: 2021-10-24. Review status: criteria provided, single submitter. Criteria: Invitae Variant Classification Sherloc (09022015). Collection method: clinical testing. Allele origin: germline.
Comment: In summary, the available evidence is currently insufficient to determine the role of this variant in disease. Therefore, it has been classified as a Variant of Uncertain Significance. Algorithms developed to predict the effect of missense changes on protein structure and function are either unavailable or do not agree on the potential impact of this missense change (SIFT: "Tolerated"; PolyPhen-2: "Possibly Damaging"; Align-GVGD: "Class C0"). This variant has not been reported in the literature in individuals affected with SBF1-related conditions. This variant is not present in population databases (ExAC no frequency). This sequence change replaces glutamine with arginine at codon 24 of the SBF1 protein (p.Gln24Arg). The glutamine residue is moderately conserved and there is a small physicochemical difference between glutamine and arginine.

NM_002972.4(SBF1):c.71A>G (p.Gln24Arg)

Gene: SBF1 (SET binding factor 1; minus strand). Cytogenetic location: 22q13.33.
Variant type: single nucleotide variant.
Coding change: c.71A>G on transcript NM_002972.4 (MANE Select); coding-DNA position 71, A replaced by G.
Protein change: p.Gln24Arg; replaces glutamine 24 with arginine.
Molecular consequence: missense variant.
Genome position (GRCh38, 1-based): chr22:50,468,446, T>C on the plus strand (A>G on the coding strand, the complement: SBF1 is on the minus strand). VCF-style: chr22-50468446-T-C. GRCh37 (hg19) VCF-style: chr22-50906875-T-C.
Other names: c.71A>G, p.Gln24Arg (NM_001365819.1); short protein forms Q24R.
Identifiers: ClinVar variation 1389014 (VCV001389014.6), dbSNP rs904638475, ClinGen allele CA325538162.
Genomic context (GRCh38, chr22:50,468,446, plus strand): 5'-CCCTGGGGGAATGGGTTGTCCTCCCAGTCCTTCTCTGGGAAGCGCTGCAGAATCTGGCCC[T>C]GGCCTTCCCCACTCCCTGAGGACAAGAACAGGGGGTCAGAGCACCCAACCCGCCCCCCAC-3'
Protein context (NP_002963.2, residues 14-34): GPHPRGSGEG[Gln24Arg]GQILQRFPEK